The following is an entry in ClinVar:

ClinVar aggregate classification (germline): Uncertain significance. Review status: criteria provided, multiple submitters, no conflicts (2 of 4 stars). 2 submissions from 2 submitters: Uncertain significance (2). Last evaluated 2024-05-28.

Conditions:
Oligodontia-cancer predisposition syndrome. Also called: TOOTH AGENESIS-COLORECTAL CANCER SYNDROME. Identifiers: Orphanet 300576, MedGen C1837750, MONDO:0012075, OMIM 608615. Disease mechanism: loss of function.
Hereditary cancer-predisposing syndrome. Also called: Neoplastic Syndromes, Hereditary; Tumor predisposition; Hereditary Cancer Syndrome; Hereditary neoplastic syndrome. Identifiers: Orphanet 140162, MedGen C0027672, MeSH D009386, MONDO:0015356.

Allele frequency attached by ClinVar (database versions not stated): gnomAD exomes below 0.00001; TOPMed below 0.00001; ExAC 0.00001.
gnomAD v4.1: 1 of 1,612,726 alleles (0.000062%); highest among the groups gnomAD compares: Non-Finnish European, 0.000085%; no homozygotes.

Submissions (3):

Labcorp Genetics (formerly Invitae), Labcorp
Classification: Uncertain significance for Oligodontia-cancer predisposition syndrome. Last evaluated: 2024-05-28. Review status: criteria provided, single submitter. Criteria: Invitae Variant Classification Sherloc (09022015). Collection method: clinical testing. Allele origin: germline.
Comment: This sequence change replaces arginine, which is basic and polar, with threonine, which is neutral and polar, at codon 802 of the AXIN2 protein (p.Arg802Thr). This variant also falls at the last nucleotide of exon 10, which is part of the consensus splice site for this exon. This variant is not present in population databases (gnomAD no frequency). This missense change has been observed in individual(s) with colorectal cancer and colon polyps (PMID: 34817745). ClinVar contains an entry for this variant (Variation ID: 821226). An algorithm developed to predict the effect of missense changes on protein structure and function (PolyPhen-2) suggests that this variant is likely to be disruptive. Variants that disrupt the consensus splice site are a relatively common cause of aberrant splicing (PMID: 17576681, 9536098). Studies have shown that this missense change is associated with inconclusive levels of altered splicing (Invitae). In summary, the available evidence is currently insufficient to determine the role of this variant in disease. Therefore, it has been classified as a Variant of Uncertain Significance.

Ambry Genetics
Classification: Uncertain significance for Hereditary cancer-predisposing syndrome. Last evaluated: 2024-05-15. Review status: criteria provided, single submitter. Criteria: Ambry Variant Classification Scheme 2023. Collection method: clinical testing. Allele origin: germline.
Comment: The c.2405G>C variant (also known as p.R802T), located in coding exon 9 of the AXIN2 gene, results from a G to C substitution at nucleotide position 2405. The amino acid change results in arginine to threonine at codon 802, an amino acid with similar properties. However, this change occurs in the last base pair of coding exon 9, which makes it likely to have some effect on normal mRNA splicing. This variant has been reported in the literature in an individual with colon cancer and polyposis, and RNA studies demonstrated that this alteration results in abnormal splicing (Chan JM et al. Fam Cancer, 2022 Oct;21:399-413). This amino acid position is highly conserved in available vertebrate species. In silico splice site analysis predicts that this alteration may weaken the native splice donor site and may result in the creation or strengthening of a novel splice donor site. This nucleotide position is highly conserved in available vertebrate species. In addition, as a missense substitution this is predicted to be deleterious by in silico analysis. Based on the available evidence, the clinical significance of this variant remains unclear.

Dr. Peter K. Rogan Lab, Western University
No classification provided (evidence only). Condition: Colorectal cancer. Review status: no classification provided. Collection method: in vitro. Allele origin: not applicable. Functional consequence: skipped exon, retained intron. Not counted in ClinVar's aggregate classification.

Literature cited by the submitters: PubMed 34817745 (cited by Labcorp Genetics (formerly Invitae), Labcorp and Ambry Genetics); PubMed 17576681 (cited by Labcorp Genetics (formerly Invitae), Labcorp); PubMed 9536098 (cited by Labcorp Genetics (formerly Invitae), Labcorp).

NM_004655.4(AXIN2):c.2405G>C (p.Arg802Thr)

Gene: AXIN2 (axin 2; minus strand). Cytogenetic location: 17q24.1.
Variant type: single nucleotide variant.
Coding change: c.2405G>C on transcript NM_004655.4 (MANE Select); coding-DNA position 2405, G replaced by C.
Protein change: p.Arg802Thr; replaces arginine 802 with threonine.
Molecular consequence: missense variant.
Genome position (GRCh38, 1-based): chr17:65,533,912, C>G on the plus strand (G>C on the coding strand, the complement: AXIN2 is on the minus strand). VCF-style: chr17-65533912-C-G. GRCh37 (hg19) VCF-style: chr17-63530030-C-G.
Other names: c.2210G>C, p.Arg737Thr (NM_001363813.1); short protein forms R737T, R802T.
Identifiers: ClinVar variation 821226 (VCV000821226.16), dbSNP rs778752803, ClinGen allele CA8718316.